The following is an entry in ClinVar:

NM_001231.5(CASQ1):c.827G>A (p.Trp276Ter)

Gene: CASQ1 (calsequestrin 1; plus strand). Cytogenetic location: 1q23.2.
Variant type: single nucleotide variant.
Coding change: c.827G>A on transcript NM_001231.5 (MANE Select); coding-DNA position 827, G replaced by A.
Protein change: p.Trp276Ter; replaces tryptophan 276 with a stop codon.
Molecular consequence: nonsense.
Genome position (GRCh38, 1-based): chr1:160,197,613, G>A. VCF-style: chr1-160197613-G-A. GRCh37 (hg19) VCF-style: chr1-160167403-G-A.
Other names: short protein forms W276*.
Identifiers: ClinVar variation 1963553 (VCV001963553.6), dbSNP rs1423688773, ClinGen allele CA343259615.

ClinVar aggregate classification (germline): Uncertain significance. Review status: criteria provided, multiple submitters, no conflicts (2 of 4 stars). 2 submissions from 2 submitters: Uncertain significance (2). Last evaluated 2026-07-20.

Conditions:
Myopathy due to calsequestrin and SERCA1 protein overload. Also called: Myopathy, vacuolar, with casq1 aggregates. Identifiers: Orphanet 88635, MedGen C4015624, MONDO:0014546, OMIM 616231.

Allele frequency attached by ClinVar (database versions not stated): gnomAD exomes 0.00001.
gnomAD v4.1: 17 of 1,608,066 alleles (0.0011%); highest among the groups gnomAD compares: Non-Finnish European, 0.0014%; no homozygotes.

Submissions (2):

Victorian Clinical Genetics Services, Murdoch Childrens Research Institute
Classification: Uncertain significance for Myopathy due to calsequestrin and SERCA1 protein overload. Last evaluated: 2026-07-20. Review status: criteria provided, single submitter. Criteria: ACMG Guidelines, 2015. Collection method: clinical testing. Allele origin: germline. Affected: yes.
Comment: This variant is classified as VUS-3B. Evidence in support of pathogenic classification: Variant is predicted to cause nonsense-mediated decay (NMD) and loss of protein (premature termination codon is located at least 54 nucleotides upstream of the final exon-exon junction); Variant is present in gnomAD <0.001 for a dominant condition (v4: 17 heterozygote(s), 0 homozygote(s)). Additional information: This variant is heterozygous; This gene is associated with autosomal dominant disease; Previous evidence of pathogenicity for this variant is inconclusive. This variant has been classified once as a VUS by a clinical laboratory in ClinVar; No published evidence of segregation with disease has been identified for this variant; No published functional evidence has been identified for this variant; Other NMD-predicted variant(s) comparable to the one identified in this case have inconclusive previous evidence for pathogenicity. These variants have been classified as VUS by clinical laboratories in ClinVar; The mechanism of disease for this gene is not clearly established. However, gain of function is a potential mechanism (PMID: 26136523, 25116801); Inheritance information for this variant is not currently available in this individual.

Labcorp Genetics (formerly Invitae), Labcorp
Classification: Uncertain significance. Last evaluated: 2023-11-27. Review status: criteria provided, single submitter. Criteria: Invitae Variant Classification Sherloc (09022015). Collection method: clinical testing. Allele origin: germline.
Comment: This sequence change creates a premature translational stop signal (p.Trp276*) in the CASQ1 gene. It is expected to result in an absent or disrupted protein product. However, the current clinical and genetic evidence is not sufficient to establish whether loss-of-function variants in CASQ1 cause disease. This variant is present in population databases (no rsID available, gnomAD 0.0009%). This variant has not been reported in the literature in individuals affected with CASQ1-related conditions. ClinVar contains an entry for this variant (Variation ID: 1963553). In summary, the available evidence is currently insufficient to determine the role of this variant in disease. Therefore, it has been classified as a Variant of Uncertain Significance.

Literature cited by the submitters: PubMed 25116801 (cited by Victorian Clinical Genetics Services, Murdoch Childrens Research Institute); PubMed 26136523 (cited by Victorian Clinical Genetics Services, Murdoch Childrens Research Institute).